The following is an entry in ClinVar:

ClinVar aggregate classification (germline): Benign. Review status: criteria provided, multiple submitters, no conflicts (2 of 4 stars). 5 submissions from 5 submitters: Benign (5). Last evaluated 2026-02-04.

Conditions:
Tyrosinemia type I (TYRSN1). Also called: Tyrosinemia type 1; Fumarylacetoacetase deficiency; HEPATORENAL TYROSINEMIA; Deficiency of fumarylacetoacetase; FAH DEFICIENCY. Identifiers: Orphanet 882, MedGen C0268490, MONDO:0010161, OMIM 276700. Disease mechanism: loss of function.

Allele frequency attached by ClinVar (database versions not stated): ExAC 0.00246; gnomAD 0.00768 and 0.00811; ESP Exome Variant Server 0.00823; TOPMed 0.00825; 1000 Genomes Project 0.01018; 1000 Genomes Project 30x 0.01140.
gnomAD v4.1: 2,393 of 1,613,854 alleles (0.15%); highest among the groups gnomAD compares: African/African-American, 2.6%; 31 homozygotes.

Submissions (5):

Labcorp Genetics (formerly Invitae), Labcorp
Classification: Benign for Tyrosinemia type I. Last evaluated: 2026-02-04. Review status: criteria provided, single submitter. Criteria: Invitae Variant Classification Sherloc (09022015). Collection method: clinical testing. Allele origin: germline.

Mayo Clinic Laboratories, Mayo Clinic
Classification: Benign. Last evaluated: 2022-06-13. Review status: criteria provided, single submitter. Criteria: ACMG Guidelines, 2015. Collection method: clinical testing. Allele origin: germline. Observed: 10 variant alleles.
Comment: BA1, BP4, BP7

Illumina Laboratory Services, Illumina
Classification: Benign for Tyrosinemia type I. Last evaluated: 2018-01-13. Review status: criteria provided, single submitter. Criteria: ICSL Variant Classification Criteria 13 December 2019. Collection method: clinical testing. Allele origin: germline.
Comment: This variant was observed in the ICSL laboratory as part of a predisposition screen in an ostensibly healthy population. It had not been previously curated by ICSL or reported in the Human Gene Mutation Database (HGMD: prior to June 1st, 2018), and was therefore a candidate for classification through an automated scoring system. Utilizing variant allele frequency, disease prevalence and penetrance estimates, and inheritance mode, an automated score was calculated to assess if this variant is too frequent to cause the disease. Based on the score and internal cut-off values, a variant classified as benign is not then subjected to further curation. The score for this variant resulted in a classification of benign for this disease.

GeneDx
Classification: Benign. Last evaluated: 2016-10-18. Review status: criteria provided, single submitter. Criteria: GeneDx Variant Classification (06012015). Collection method: clinical testing. Allele origin: germline. Affected: yes.
Comment: This variant is considered likely benign or benign based on one or more of the following criteria: it is a conservative change, it occurs at a poorly conserved position in the protein, it is predicted to be benign by multiple in silico algorithms, and/or has population frequency not consistent with disease.

Breakthrough Genomics
Classification: Benign. Review status: criteria provided, single submitter. Criteria: ACMG Guidelines, 2015. Collection method: not provided. Allele origin: germline. Inheritance: Autosomal recessive inheritance. Affected: yes.

NM_000137.4(FAH):c.165C>T (p.Leu55=)

Gene: FAH (fumarylacetoacetate hydrolase; plus strand). Cytogenetic location: 15q25.1.
Variant type: single nucleotide variant.
Coding change: c.165C>T on transcript NM_000137.4 (MANE Select); coding-DNA position 165, C replaced by T.
Protein change: p.Leu55=; no amino-acid change (leucine 55 retained).
Molecular consequence: synonymous variant.
Genome position (GRCh38, 1-based): chr15:80,158,143, C>T. VCF-style: chr15-80158143-C-T. GRCh37 (hg19) VCF-style: chr15-80450485-C-T.
Other names: p.Leu55=; c.165C>T, p.Leu55= (NM_001374377.1, NM_001374380.1); c.165C>T (NM_000137.3).
Identifiers: ClinVar variation 380509 (VCV000380509.17), dbSNP rs28733633, ClinGen allele CA7691036.
Genomic context (GRCh38, chr15:80,158,143, plus strand): 5'-CATTGGCGACCAGATCCTGGACCTCAGCATCATCAAGCACCTCTTTACTGGTCCTGTCCT[C>T]TCCAAACACCAGGATGTCTTCAATCAGGTAGGACATTGTGAAACGACTTGTCCCTGACCT-3'
Protein context (NP_000128.1, residues 45-65): IIKHLFTGPV[Leu55=]SKHQDVFNQP